The following is an entry in ClinVar:

NM_001693.4(ATP6V1B2):c.192+7C>G

Gene: ATP6V1B2 (ATPase H+ transporting V1 subunit B2; plus strand). Cytogenetic location: 8p21.3.
Variant type: single nucleotide variant.
Coding change: c.192+7C>G on transcript NM_001693.4 (MANE Select); 7 bases into the intron after coding-DNA position 192, C replaced by G.
Molecular consequence: intron variant.
Genome position (GRCh38, 1-based): chr8:20,204,546, C>G. VCF-style: chr8-20204546-C-G. GRCh37 (hg19) VCF-style: chr8-20062057-C-G.
Identifiers: ClinVar variation 788819 (VCV000788819.29), dbSNP rs112063532, ClinGen allele CA4656748.

ClinVar aggregate classification (germline): Benign/Likely benign. Review status: criteria provided, multiple submitters, no conflicts (2 of 4 stars). 3 submissions from 3 submitters: Benign (1); Likely benign (2). Last evaluated 2026-07-01.

Allele frequency attached by ClinVar (database versions not stated): 1000 Genomes Project 0.00040; 1000 Genomes Project 30x 0.00078; gnomAD exomes 0.00264; TOPMed 0.00273; gnomAD 0.00288 and 0.00297; ExAC 0.00295; ESP Exome Variant Server 0.00408.
gnomAD v4.1: 7,301 of 1,606,242 alleles (0.45%); highest among the groups gnomAD compares: Non-Finnish European, 0.59%; 22 homozygotes.

Submissions (3):

CeGaT Center for Human Genetics Tuebingen
Classification: Likely benign. Last evaluated: 2026-07-01. Review status: criteria provided, single submitter. Criteria: CeGaT Center For Human Genetics Tuebingen Variant Classification Criteria Version 2. Collection method: clinical testing. Allele origin: germline. Affected: yes. Observed: 10 variant alleles.
Comment: ATP6V1B2: BP4, BS2

Blueprint Genetics
Classification: Likely benign. Last evaluated: 2024-11-26. Review status: criteria provided, single submitter. Criteria: ACMG Guidelines, 2015. Collection method: clinical testing. Allele origin: germline.

Labcorp Genetics (formerly Invitae), Labcorp
Classification: Benign. Last evaluated: 2019-12-31. Review status: criteria provided, single submitter. Criteria: Invitae Variant Classification Sherloc (09022015). Collection method: clinical testing. Allele origin: germline.